The following is an entry in ClinVar:

NM_007078.3(LDB3):c.2095-7G>A

Gene: LDB3 (LIM domain binding 3; plus strand). Cytogenetic location: 10q23.2.
Variant type: single nucleotide variant.
Coding change: c.2095-7G>A on transcript NM_007078.3 (MANE Select); 7 bases into the intron before coding-DNA position 2095, G replaced by A.
Molecular consequence: intron variant.
Genome position (GRCh38, 1-based): chr10:86,732,880, G>A. VCF-style: chr10-86732880-G-A. GRCh37 (hg19) VCF-style: chr10-88492637-G-A.
Other names: c.1906-7G>A (NM_001368064.1, NM_001368065.1); c.2110-7G>A (NM_001171610.2); c.1954-7G>A (NM_001368066.1); c.1765-7G>A (NM_001080114.2).
Identifiers: ClinVar variation 4725080 (VCV004725080.1).

ClinVar aggregate classification (germline): Uncertain significance (1 of 4 stars; one submission).

Conditions:
Myofibrillar myopathy 4. Also called: Zaspopathy (type). Identifiers: Orphanet 98912, MedGen C4721886, MONDO:0012277, OMIM 609452.

Submission:

Labcorp Genetics (formerly Invitae), Labcorp
Classification: Uncertain significance for Myofibrillar myopathy 4. Last evaluated: 2025-08-09. Review status: criteria provided, single submitter. Criteria: Invitae Variant Classification Sherloc (09022015). Collection method: clinical testing. Allele origin: germline.
Comment: The LDB3 gene has multiple clinically relevant transcripts. This variant occurs in alternate transcript NM_007078.3, and corresponds to NM_001080116.1:c.*33506G>A in the primary transcript. This sequence change falls in intron 13 of the LDB3 gene. It does not directly change the encoded amino acid sequence of the LDB3 protein. This variant is not present in population databases (gnomAD no frequency). This variant has not been reported in the literature in individuals affected with LDB3-related conditions. Experimental studies and prediction algorithms are not available or were not evaluated, and the effect of this variant on mRNA splicing is currently unknown. In summary, the available evidence is currently insufficient to determine the role of this variant in disease. Therefore, it has been classified as a Variant of Uncertain Significance.